The following is an entry in ClinVar:

ClinVar aggregate classification (germline): Uncertain significance (1 of 4 stars; one submission).

Conditions:
Hereditary cancer-predisposing syndrome. Also called: Tumor predisposition; Neoplastic Syndromes, Hereditary; Hereditary Cancer Syndrome; Hereditary neoplastic syndrome. Identifiers: Orphanet 140162, MedGen C0027672, MeSH D009386, MONDO:0015356.

Submission:

Ambry Genetics
Classification: Uncertain significance for Hereditary cancer-predisposing syndrome. Last evaluated: 2021-05-14. Review status: criteria provided, single submitter. Criteria: Ambry Variant Classification Scheme 2023. Collection method: clinical testing. Allele origin: germline.
Comment: The p.S1073R variant (also known as c.3217A>C), located in coding exon 20 of the RET gene, results from an A to C substitution at nucleotide position 3217. The serine at codon 1073 is replaced by arginine, an amino acid with dissimilar properties. This amino acid position is highly conserved in available vertebrate species. In addition, this alteration is predicted to be deleterious by in silico analysis. Since supporting evidence is limited at this time, the clinical significance of this alteration remains unclear.

NM_020975.6(RET):c.3217A>C (p.Ser1073Arg)

Gene: RET (ret proto-oncogene; plus strand). Cytogenetic location: 10q11.21.
Variant type: single nucleotide variant.
Coding change: c.3217A>C on transcript NM_020975.6 (MANE Select); coding-DNA position 3217, A replaced by C.
Protein change: p.Ser1073Arg; replaces serine 1073 with arginine.
Molecular consequence: missense variant.
Genome position (GRCh38, 1-based): chr10:43,128,141, A>C. VCF-style: chr10-43128141-A-C. GRCh37 (hg19) VCF-style: chr10-43623589-A-C.
Other names: c.*1387A>C (NM_001406768.1, NM_001406770.1, NM_001406772.1 and 15 more transcripts); c.2821A>C, p.Ser941Arg (NM_001406769.1); c.2779A>C, p.Ser927Arg (NM_001406771.1); c.2491A>C, p.Ser831Arg (NM_001406775.1); c.2320A>C, p.Ser774Arg (NM_001406779.1, NM_001406780.1); c.2431A>C, p.Ser811Arg (NM_001406777.1); c.3217A>C, p.Ser1073Arg (NM_000323.2, NM_001406743.1); c.3157A>C, p.Ser1053Arg (NM_001406759.1, NM_001406760.1); and 7 more; short protein forms S831R, S941R, S1053R, S570R, S678R, S774R, S811R, S1028R.
Identifiers: ClinVar variation 1728999 (VCV001728999.2), dbSNP rs763823142, ClinGen allele CA206268154.